The following is an entry in ClinVar:

NM_005235.3(ERBB4):c.3026A>G (p.Asp1009Gly)

Gene: ERBB4 (erb-b2 receptor tyrosine kinase 4; minus strand). Cytogenetic location: 2q34.
Variant type: single nucleotide variant.
Coding change: c.3026A>G on transcript NM_005235.3 (MANE Select); coding-DNA position 3026, A replaced by G.
Protein change: p.Asp1009Gly; replaces aspartic acid 1009 with glycine.
Molecular consequence: missense variant.
Genome position (GRCh38, 1-based): chr2:211,420,550, T>C on the plus strand (A>G on the coding strand, the complement: ERBB4 is on the minus strand). VCF-style: chr2-211420550-T-C. GRCh37 (hg19) VCF-style: chr2-212285275-T-C.
Other names: c.3026A>G, p.Asp1009Gly (NM_001042599.2); short protein forms D1009G.
Identifiers: ClinVar variation 3006595 (VCV003006595.3), dbSNP rs879025895, ClinGen allele CA65142679.

ClinVar aggregate classification (germline): Uncertain significance (1 of 4 stars; one submission).

Allele frequency attached by ClinVar (database versions not stated): TOPMed below 0.00001.

Submission:

Labcorp Genetics (formerly Invitae), Labcorp
Classification: Uncertain significance. Last evaluated: 2023-12-13. Review status: criteria provided, single submitter. Criteria: Invitae Variant Classification Sherloc (09022015). Collection method: clinical testing. Allele origin: germline.
Comment: This sequence change replaces aspartic acid, which is acidic and polar, with glycine, which is neutral and non-polar, at codon 1009 of the ERBB4 protein (p.Asp1009Gly). This variant is not present in population databases (gnomAD no frequency). This variant has not been reported in the literature in individuals affected with ERBB4-related conditions. Advanced modeling of protein sequence and biophysical properties (such as structural, functional, and spatial information, amino acid conservation, physicochemical variation, residue mobility, and thermodynamic stability) performed at Invitae indicates that this missense variant is not expected to disrupt ERBB4 protein function with a negative predictive value of 80%. In summary, the available evidence is currently insufficient to determine the role of this variant in disease. Therefore, it has been classified as a Variant of Uncertain Significance.